The following is an entry in ClinVar:

NM_205836.3(FBXO38):c.1349A>T (p.Glu450Val)

Gene: FBXO38 (F-box protein 38; plus strand). Cytogenetic location: 5q32.
Variant type: single nucleotide variant.
Coding change: c.1349A>T on transcript NM_205836.3 (MANE Select); coding-DNA position 1349, A replaced by T.
Protein change: p.Glu450Val; replaces glutamic acid 450 with valine.
Molecular consequence: missense variant.
Genome position (GRCh38, 1-based): chr5:148,416,012, A>T. VCF-style: chr5-148416012-A-T. GRCh37 (hg19) VCF-style: chr5-147795575-A-T.
Other names: c.1349A>T, p.Glu450Val (NM_001271723.2, NM_030793.5); short protein forms E450V.
Identifiers: ClinVar variation 3643201 (VCV003643201.2).
Genomic context (GRCh38, chr5:148,416,012, plus strand): 5'-TTGATATCAACCTAGTACGGTGCCATGCTTTGAAGCTGGACTCTTTTGGCCAGTTTATTG[A>T]ATTATTACCCAGCCTAGAGTTTATTTCACTGGATCAGATGTTTCGTGAACCACCCAAGGT-3'
Protein context (NP_995308.1, residues 440-460): LKLDSFGQFI[Glu450Val]LLPSLEFISL

ClinVar aggregate classification (germline): Uncertain significance (1 of 4 stars; one submission).

Conditions:
Distal hereditary motor neuropathy type 2. Identifiers: Orphanet 139525, MedGen C3711384, MeSH C580044, MONDO:0015352.

Submission:

Labcorp Genetics (formerly Invitae), Labcorp
Classification: Uncertain significance for Distal hereditary motor neuropathy type 2. Last evaluated: 2024-02-25. Review status: criteria provided, single submitter. Criteria: Invitae Variant Classification Sherloc (09022015). Collection method: clinical testing. Allele origin: germline.
Comment: This sequence change replaces glutamic acid, which is acidic and polar, with valine, which is neutral and non-polar, at codon 450 of the FBXO38 protein (p.Glu450Val). This variant is not present in population databases (gnomAD no frequency). This variant has not been reported in the literature in individuals affected with FBXO38-related conditions. Advanced modeling of protein sequence and biophysical properties (such as structural, functional, and spatial information, amino acid conservation, physicochemical variation, residue mobility, and thermodynamic stability) has been performed at Invitae for this missense variant, however the output from this modeling did not meet the statistical confidence thresholds required to predict the impact of this variant on FBXO38 protein function. In summary, the available evidence is currently insufficient to determine the role of this variant in disease. Therefore, it has been classified as a Variant of Uncertain Significance.